The following is an entry in ClinVar:

ClinVar aggregate classification (germline): Uncertain significance (3 of 4 stars; one submission).

Conditions:
Monogenic diabetes. Identifiers: Orphanet 183625, MedGen C3888631, MONDO:0015967.

Submission:

ClinGen Monogenic Diabetes Variant Curation Expert Panel
Classification: Uncertain significance for Monogenic diabetes. Last evaluated: 2025-09-02. Review status: reviewed by expert panel. Criteria: ClinGen Diabetes ACMG Specifications HNF4A V3.0.0. Collection method: curation. Allele origin: germline. Inheritance: Autosomal dominant inheritance.
Comment: The c.-173_-172dup variant in the hepatocyte nuclear factor 4-alpha, HNF4A, is a two base pair duplication in the promoter of NM_175914.5. This variant is absent from gnomAD v4.1.0 (PM2_Supporting). This variant is located within the HNF1A/HNF1B binding domain (c.-170 to c.-173 and c.-178 to c.-181) of the HNF4A P2 promoter region, which is defined as critical for the protein’s function by the ClinGen MDEP (PM1); however, it is unclear if a duplication would have the same effect as a nucleotide change. Therefore, PM1 will not be applied. This variant was identified in an individual with diabetes; however, the calculated MODY probability is <50% (internal lab contributors). In summary, c.-173_-172dup meets the criteria to be classified as a variant of uncertain significance for monogenic diabetes. ACMG/AMP criteria applied, as specified by the ClinGen MDEP (specification version 3.0.0, approved 6/30/2025): PM2_Supporting.

NC_000020.11:g.44355632_44355633dup

Gene: HNF4A (hepatocyte nuclear factor 4 alpha; plus strand). Cytogenetic location: 20q13.12.
Variant type: Duplication.
Genome position: GRCh38 VCF-style: chr20-44355630-C-CTT. GRCh37 (hg19) VCF-style: chr20-42984270-C-CTT.
Identifiers: ClinVar variation 4077384 (VCV004077384.1).